The following is an entry in ClinVar:

ClinVar aggregate classification (germline): Uncertain significance. Review status: criteria provided, multiple submitters, no conflicts (2 of 4 stars). 3 submissions from 3 submitters: Uncertain significance (3). Last evaluated 2025-08-29.

Conditions:
Congenital disorder of glycosylation with defective fucosylation 2 (CDGF2). Identifiers: MedGen C5193028, MONDO:0020777, OMIM 618324.

Allele frequency attached by ClinVar (database versions not stated): gnomAD exomes 0.00005; ExAC 0.00012; ESP Exome Variant Server 0.00024; TOPMed 0.00030; gnomAD 0.00031.

Submissions (3):

Labcorp Genetics (formerly Invitae), Labcorp
Classification: Uncertain significance. Last evaluated: 2025-08-29. Review status: criteria provided, single submitter. Criteria: Invitae Variant Classification Sherloc (09022015). Collection method: clinical testing. Allele origin: germline.
Comment: This sequence change replaces arginine, which is basic and polar, with cysteine, which is neutral and slightly polar, at codon 936 of the FUK protein (p.Arg936Cys). This variant is present in population databases (rs200925079, gnomAD 0.09%), and has an allele count higher than expected for a pathogenic variant. This variant has not been reported in the literature in individuals affected with FUK-related conditions. ClinVar contains an entry for this variant (Variation ID: 2456778). An algorithm developed to predict the effect of missense changes on protein structure and function (PolyPhen-2) suggests that this variant is likely to be disruptive. In summary, the available evidence is currently insufficient to determine the role of this variant in disease. Therefore, it has been classified as a Variant of Uncertain Significance.

Ambry Genetics
Classification: Uncertain significance. Last evaluated: 2023-03-06. Review status: criteria provided, single submitter. Criteria: Ambry Variant Classification Scheme 2023. Collection method: clinical testing. Allele origin: germline.

Juno Genomics, Hangzhou Juno Genomics, Inc
Classification: Uncertain significance for Congenital disorder of glycosylation with defective fucosylation 2. Review status: criteria provided, single submitter. Criteria: ACMG Guidelines, 2015. Collection method: clinical testing. Allele origin: germline.
Comment: Absent from controls (or at extremely low frequency if recessive) in Genome Aggregation Database.;Multiple lines of computational evidence support a deleterious effect on the gene or gene product.

NM_145059.3(FCSK):c.2806C>T (p.Arg936Cys)

Gene: FCSK (fucose kinase; plus strand). Cytogenetic location: 16q22.1.
Variant type: single nucleotide variant.
Coding change: c.2806C>T on transcript NM_145059.3 (MANE Select); coding-DNA position 2806, C replaced by T.
Protein change: p.Arg936Cys; replaces arginine 936 with cysteine.
Molecular consequence: missense variant.
Genome position (GRCh38, 1-based): chr16:70,478,436, C>T. VCF-style: chr16-70478436-C-T. GRCh37 (hg19) VCF-style: chr16-70512339-C-T.
Other names: short protein forms R936C.
Identifiers: ClinVar variation 2456778 (VCV002456778.7), dbSNP rs200925079, ClinGen allele CA8143735.